The following is an entry in ClinVar:

NM_004982.4(KCNJ8):c.1171T>C (p.Ser391Pro)

Genes: KCNJ8 (potassium inwardly rectifying channel subfamily J member 8; minus strand), KCNJ8-AS1 (KCNJ8 antisense RNA 1; plus strand). Cytogenetic location: 12p12.1.
Variant type: single nucleotide variant.
Coding change: c.1171T>C on transcript NM_004982.4 (MANE Select); coding-DNA position 1171, T replaced by C.
Protein change: p.Ser391Pro; replaces serine 391 with proline.
Molecular consequence: missense variant.
Genome position (GRCh38, 1-based): chr12:21,765,827, A>G on the plus strand (T>C on the coding strand, the complement: KCNJ8 is on the minus strand). VCF-style: chr12-21765827-A-G. GRCh37 (hg19) VCF-style: chr12-21918761-A-G.
Other names: short protein forms S391P.
Identifiers: ClinVar variation 3862877 (VCV003862877.1).
Genomic context (GRCh38, chr12:21,765,827, plus strand): 5'-GCACCTTTGGTACCATGAGGGAAGAATTGTTCCTTCGGATAGAATTGTTCCTCCTCATGG[A>G]ATTGTTTCTTCTCATGGAGTTGCGCTTCCTCAGAGAATTTTGATGAGACAGTTCACTCTT-3'
Protein context (NP_004973.1, residues 381-401): RKRNSMRRNN[Ser391Pro]MRRNNSIRRN

ClinVar aggregate classification (germline): Uncertain significance (1 of 4 stars; one submission).

Conditions:
Cardiovascular phenotype. Identifiers: MedGen CN230736.

Submission:

Ambry Genetics
Classification: Uncertain significance for Cardiovascular phenotype. Last evaluated: 2025-02-27. Review status: criteria provided, single submitter. Criteria: Ambry Variant Classification Scheme 2023. Collection method: clinical testing. Allele origin: germline.
Comment: The p.S391P variant (also known as c.1171T>C), located in coding exon 2 of the KCNJ8 gene, results from a T to C substitution at nucleotide position 1171. The serine at codon 391 is replaced by proline, an amino acid with similar properties. This amino acid position is conserved. In addition, the in silico prediction for this alteration is inconclusive. Based on the available evidence, the clinical significance of this variant remains unclear.